The following is an entry in ClinVar:

ClinVar aggregate classification (germline): Uncertain significance. Review status: criteria provided, multiple submitters, no conflicts (2 of 4 stars). 3 submissions from 3 submitters: Uncertain significance (3). Last evaluated 2026-07-13.

Conditions:
Inborn genetic diseases. Identifiers: MedGen C0950123, MeSH D030342.

gnomAD v4.1: 15 of 1,613,486 alleles (0.00093%); highest among the groups gnomAD compares: Non-Finnish European, 0.001%; no homozygotes.

Submissions (3):

Ambry Genetics
Classification: Uncertain significance for Inborn genetic diseases. Last evaluated: 2026-07-13. Review status: criteria provided, single submitter. Criteria: Ambry Variant Classification Scheme 2023. Collection method: clinical testing. Allele origin: germline.

Labcorp Genetics (formerly Invitae), Labcorp
Classification: Uncertain significance. Last evaluated: 2026-01-06. Review status: criteria provided, single submitter. Criteria: Invitae Variant Classification Sherloc (09022015). Collection method: clinical testing. Allele origin: germline.
Comment: This sequence change replaces alanine, which is neutral and non-polar, with threonine, which is neutral and polar, at codon 549 of the COL9A3 protein (p.Ala549Thr). This variant is not present in population databases (gnomAD no frequency). This variant has not been reported in the literature in individuals affected with COL9A3-related conditions. ClinVar contains an entry for this variant (Variation ID: 3390693). Invitae Evidence Modeling of protein sequence and biophysical properties (such as structural, functional, and spatial information, amino acid conservation, physicochemical variation, residue mobility, and thermodynamic stability) indicates that this missense variant is not expected to disrupt COL9A3 protein function with a negative predictive value of 95%. In summary, the available evidence is currently insufficient to determine the role of this variant in disease. Therefore, it has been classified as a Variant of Uncertain Significance.

GeneDx
Classification: Uncertain significance. Last evaluated: 2024-06-12. Review status: criteria provided, single submitter. Criteria: GeneDx Variant Classification Process June 2021. Collection method: clinical testing. Allele origin: germline. Affected: yes.
Comment: Not observed at significant frequency in large population cohorts (gnomAD); In silico analysis indicates that this missense variant does not alter protein structure/function; Has not been previously published as pathogenic or benign to our knowledge

NM_001853.4(COL9A3):c.1645G>A (p.Ala549Thr)

Gene: COL9A3 (collagen type IX alpha 3 chain; plus strand). Cytogenetic location: 20q13.33.
Variant type: single nucleotide variant.
Coding change: c.1645G>A on transcript NM_001853.4 (MANE Select); coding-DNA position 1645, G replaced by A.
Protein change: p.Ala549Thr; replaces alanine 549 with threonine.
Molecular consequence: missense variant.
Genome position (GRCh38, 1-based): chr20:62,837,124, G>A. VCF-style: chr20-62837124-G-A. GRCh37 (hg19) VCF-style: chr20-61468476-G-A.
Other names: short protein forms A549T.
Identifiers: ClinVar variation 3390693 (VCV003390693.4).